The following is an entry in ClinVar:

ClinVar aggregate classification (germline): Uncertain significance (1 of 4 stars; one submission).

Conditions:
Inborn genetic diseases. Identifiers: MedGen C0950123, MeSH D030342.

Submission:

Ambry Genetics
Classification: Uncertain significance for Inborn genetic diseases. Last evaluated: 2024-12-25. Review status: criteria provided, single submitter. Criteria: Ambry Variant Classification Scheme 2023. Collection method: clinical testing. Allele origin: germline.
Comment: The p.R751S variant (also known as c.2253G>T), located in coding exon 25 of the FANCA gene, results from a G to T substitution at nucleotide position 2253. The arginine at codon 751 is replaced by serine, an amino acid with dissimilar properties. This amino acid position is conserved. In addition, this alteration is predicted to be tolerated by in silico analysis. Based on the available evidence, the clinical significance of this variant remains unclear.

NM_000135.4(FANCA):c.2253G>T (p.Arg751Ser)

Gene: FANCA (FA complementation group A; minus strand). Cytogenetic location: 16q24.3.
Variant type: single nucleotide variant.
Coding change: c.2253G>T on transcript NM_000135.4 (MANE Select); coding-DNA position 2253, G replaced by T.
Protein change: p.Arg751Ser; replaces arginine 751 with serine.
Molecular consequence: missense variant.
Genome position (GRCh38, 1-based): chr16:89,770,229, C>A on the plus strand (G>T on the coding strand, the complement: FANCA is on the minus strand). VCF-style: chr16-89770229-C-A. GRCh37 (hg19) VCF-style: chr16-89836637-C-A.
Other names: c.2253G>T, p.Arg751Ser (NM_001286167.3); short protein forms R751S.
Identifiers: ClinVar variation 3848058 (VCV003848058.1).
Genomic context (GRCh38, chr16:89,770,229, plus strand): 5'-GTGACGGAGCAGCTGGCAGAGCCGGGTGAGCACTGCAGGGAGCACACGTCCACACATGGT[C>A]CTCACGAAGAGGGCAGCCCAGGGACCCTGCCTGCAGAGACAGCCGTGAAACCATCAGTAC-3'
Protein context (NP_000126.2, residues 741-761): RQGPWAALFV[Arg751Ser]TMCGRVLPAV